The following is an entry in ClinVar:

NM_020964.3(EPG5):c.5583C>A (p.Cys1861Ter)

Gene: EPG5 (ectopic P-granules 5 autophagy tethering factor; minus strand). Cytogenetic location: 18q12.3.
Variant type: single nucleotide variant.
Coding change: c.5583C>A on transcript NM_020964.3 (MANE Select); coding-DNA position 5583, C replaced by A.
Protein change: p.Cys1861Ter; replaces cysteine 1861 with a stop codon.
Molecular consequence: nonsense.
Genome position (GRCh38, 1-based): chr18:45,880,159, G>T on the plus strand (C>A on the coding strand, the complement: EPG5 is on the minus strand). VCF-style: chr18-45880159-G-T. GRCh37 (hg19) VCF-style: chr18-43460124-G-T.
Other names: c.5583C>A, p.Cys1861Ter (NM_001410858.1, NM_001410859.1); short protein forms C1861*.
Identifiers: ClinVar variation 5003162 (VCV005003162.1).

ClinVar aggregate classification (germline): Likely pathogenic (1 of 4 stars; one submission).

Conditions:
Vici syndrome (VICIS). Identifiers: Orphanet 1493, MedGen C1855772, MONDO:0009452, OMIM 242840.

Submission:

OLLIN Analises Genomicas, OLLIN
Classification: Likely pathogenic for Vici syndrome. Last evaluated: 2026-08-06. Review status: criteria provided, single submitter. Criteria: ACMG Guidelines 2015 PMID 25741868. Collection method: clinical testing. Allele origin: germline. Inheritance: Autosomal recessive inheritance.
Comment: This nonsense variant, located in exon 32 (of 44), is absent from gnomAD and ClinVar and has not been identified in the literature. This variant introduces a premature stop codon, which is predicted to result in either a truncated protein or degradation of the mRNA via nonsense-mediated decay (NMD). According to the currently available evidence, this variant has been classified as likely pathogenic (PVS1, PM2_P).